The following is an entry in ClinVar:

NM_001376.5(DYNC1H1):c.3124G>A (p.Gly1042Ser)

Gene: DYNC1H1 (dynein cytoplasmic 1 heavy chain 1; plus strand). Cytogenetic location: 14q32.31.
Variant type: single nucleotide variant.
Coding change: c.3124G>A on transcript NM_001376.5 (MANE Select); coding-DNA position 3124, G replaced by A.
Protein change: p.Gly1042Ser; replaces glycine 1042 with serine.
Molecular consequence: missense variant.
Genome position (GRCh38, 1-based): chr14:101,994,292, G>A. VCF-style: chr14-101994292-G-A. GRCh37 (hg19) VCF-style: chr14-102460629-G-A.
Other names: short protein forms G1042S.
Identifiers: ClinVar variation 4994868 (VCV004994868.1).

ClinVar aggregate classification (germline): Uncertain significance (1 of 4 stars; one submission).

Conditions:
DYNC1H1-related disorder. Also called: DYNC1H1-related disorders; DYNC1H1-related condition. Identifiers: MedGen CN381529.

Submission:

PreventionGenetics, part of Exact Sciences
Classification: Uncertain significance for DYNC1H1-related condition. Last evaluated: 2026-02-23. Review status: criteria provided, single submitter. Criteria: ACMG Guidelines, 2015. Collection method: clinical testing. Allele origin: germline.
Comment: The DYNC1H1 c.3124G>A variant is predicted to result in the amino acid substitution p.Gly1042Ser. To our knowledge, this variant has not been reported in the literature or in a large population database (gnomAD), indicating this variant is rare. At this time, the clinical significance of this variant is uncertain due to the absence of conclusive functional and genetic evidence.